The following is an entry in ClinVar:

ClinVar aggregate classification (germline): Pathogenic (1 of 4 stars; one submission).

Conditions:
Congenital microvillous atrophy (DIAR2). Also called: MICROVILLUS ATROPHY, CONGENITAL; Microvillus inclusion disease; CONGENITAL FAMILIAL PROTRACTED DIARRHEA WITH ENTEROCYTE BRUSH-BORDER ABNORMALITIES; DAVIDSON DISEASE; Diarrhea 2 with microvillus atrophy, with or without cholestasis. Identifiers: Orphanet 2290, MedGen C0341306, MONDO:0009635, OMIM 251850.

gnomAD v4.1: 1 of 1,614,160 alleles (0.000062%); highest among the groups gnomAD compares: Non-Finnish European, 0.000085%; no homozygotes.

Submission:

Institute of Human Genetics, University of Leipzig Medical Center
Classification: Pathogenic for Congenital microvillous atrophy. Last evaluated: 2022-03-15. Review status: criteria provided, single submitter. Criteria: ACMG Guidelines, 2015. Collection method: clinical testing. Allele origin: inherited. Affected: yes.
Comment: This variant was identified as homozygous._x000D_ Criteria applied: PVS1, PM2_SUP, PM3_SUP

NM_001080467.3(MYO5B):c.4090C>T (p.Gln1364Ter)

Gene: MYO5B (myosin VB; minus strand). Cytogenetic location: 18q21.1.
Variant type: single nucleotide variant.
Coding change: c.4090C>T on transcript NM_001080467.3 (MANE Select); coding-DNA position 4090, C replaced by T.
Protein change: p.Gln1364Ter; replaces glutamine 1364 with a stop codon.
Molecular consequence: nonsense.
Genome position (GRCh38, 1-based): chr18:49,853,580, G>A on the plus strand (C>T on the coding strand, the complement: MYO5B is on the minus strand). VCF-style: chr18-49853580-G-A. GRCh37 (hg19) VCF-style: chr18-47379950-G-A.
Other names: short protein forms Q1364*.
Identifiers: ClinVar variation 1679140 (VCV001679140.1), dbSNP rs1264355256, ClinGen allele CA402426799.
Genomic context (GRCh38, chr18:49,853,580, plus strand): 5'-GTAGCGTCTGGCAGAAGGTCTGCTGCTGTTTGTCCATCTCCTCCTTCAGGGCCTCGAGCT[G>A]AGCCTTGAGATGCTCCACCTCCTCCTCATGCTCCAGGCTCTGGGCCTGCAGCTGAGCCTC-3'